The following is an entry in ClinVar:

ClinVar aggregate classification (germline): Pathogenic. Review status: criteria provided, multiple submitters, no conflicts (2 of 4 stars). 6 submissions from 6 submitters: Pathogenic (6). Last evaluated 2025-07-16.

Conditions:
Ehlers-Danlos syndrome, classic type, 1 (EDSCL1). Also called: EDS I; EHLERS-DANLOS SYNDROME, GRAVIS TYPE; Ehlers-Danlos syndrome, type 1; Ehlers-Danlos Syndrome, Classic Type, COL5A1-Related; EHLERS-DANLOS SYNDROME, SEVERE CLASSIC TYPE. Identifiers: MedGen C0268335, MONDO:0019567, OMIM 130000.
Osteogenesis imperfecta type I (OI1). Also called: OSTEOGENESIS IMPERFECTA TARDA; OSTEOGENESIS IMPERFECTA WITH BLUE SCLERAE; Lobstein disease; Lobstein's Disease; Classic Non-deforming Osteogenesis Imperfecta with Blue Sclerae; OI, TYPE I. Identifiers: Orphanet 216796, Orphanet 666, MedGen C0023931, MONDO:0008146, OMIM 166200. Disease mechanism: loss of function.
Osteogenesis imperfecta type III (OI3). Also called: Osteogenesis imperfecta type 3; OI type 3; Osteogenesis imperfecta, progressively deforming with normal sclerae; OI type III; Progressively Deforming Osteogenesis Imperfecta. Identifiers: Orphanet 216812, Orphanet 666, MedGen C0268362, MONDO:0009804, OMIM 259420.
Osteogenesis imperfecta, perinatal lethal (OI2). Also called: Osteogenesis imperfecta, dominant perinatal lethal; OSTEOGENESIS IMPERFECTA, TYPE II; OSTEOGENESIS IMPERFECTA CONGENITA; Osteogenesis imperfecta type 2; OI, TYPE II; VROLIK TYPE OF OSTEOGENESIS IMPERFECTA. Identifiers: Orphanet 216804, MedGen C0268358, MONDO:0008147, OMIM 166210.
COL1A2-related disorder. Also called: COL1A2-Related Disorders; COL1A2-related condition.

Submissions (6):

Clinical Biomedical Laboratory, Shriners Hospital For Children - Canada
Classification: Pathogenic for Osteogenesis imperfecta type III. Last evaluated: 2025-07-16. Review status: criteria provided, single submitter. Criteria: ACMG Guidelines, 2015. Collection method: clinical testing. Allele origin: germline. Affected: yes.
Comment: This variant is predicted to substitute a glycine residue by a serine residue in the triple helical domain of the collagen type I alpha 2 chain. Glycine substitutions in the triple helical domain of the collagen type I alpha 2 chain cause disruption in the formation of the triple helix in the collagen type I molecule and are a typical cause of osteogenesis imperfecta (PMID 27509835). This variant is absent from the Genome Aggregation Database (v2.1.1). Computational tools (REVEL: 0.984) suggest that the amino acid change is damaging to protein function. The affected nucleotide is conserved in evolution (PhyloP100 = 9.77, highly conserved). We have observed this variant in the Shriners Hospital for Children variant database in 5 individuals with a diagnosis of osteogenesis imperfecta.

Labcorp Genetics (formerly Invitae), Labcorp
Classification: Pathogenic for Osteogenesis imperfecta type I; Ehlers-Danlos syndrome, classic type, 1. Last evaluated: 2024-05-22. Review status: criteria provided, single submitter. Criteria: Invitae Variant Classification Sherloc (09022015). Collection method: clinical testing. Allele origin: germline.
Comment: This sequence change replaces glycine, which is neutral and non-polar, with serine, which is neutral and polar, at codon 460 of the COL1A2 protein (p.Gly460Ser). This variant is not present in population databases (gnomAD no frequency). This missense change has been observed in individuals with osteogenesis imperfecta (PMID: 8829649, 22206639, 22589248, 26627451, 27519266). ClinVar contains an entry for this variant (Variation ID: 526895). Advanced modeling of protein sequence and biophysical properties (such as structural, functional, and spatial information, amino acid conservation, physicochemical variation, residue mobility, and thermodynamic stability) performed at Invitae indicates that this missense variant is expected to disrupt COL1A2 protein function with a positive predictive value of 95%. This variant disrupts the triple helix domain of COL1A2. Glycine residues within the Gly-Xaa-Yaa repeats of the triple helix domain are required for the structure and stability of fibrillar collagens (PMID: 7695699, 8218237, 19344236). In COL1A2, variants affecting these glycine residues are significantly enriched in individuals with disease (PMID: 9016532, 17078022) compared to the general population (ExAC). For these reasons, this variant has been classified as Pathogenic.

GeneDx
Classification: Pathogenic. Last evaluated: 2022-04-11. Review status: criteria provided, single submitter. Criteria: GeneDx Variant Classification Process June 2021. Collection method: clinical testing. Allele origin: germline. Affected: yes.
Comment: Variant occurs in the triple helical domain and replaces the Glycine in the canonical Gly-X-Y repeat. Missense substitution of a canonical Glycine residue is expected to disrupt normal protein folding and function, which is an established mechanism of disease.; Not observed in large population cohorts (gnomAD); In silico analysis supports that this missense variant has a deleterious effect on protein structure/function; This variant is associated with the following publications: (PMID: 22589248, 29620724, 19344236, 15241796, 22206639, 7695699, 8218237, 9016532, 17078022, 26627451, 27519266, 32335877, 34007986, 30266093, 32123938, 33939306, 33942288, 8829649)

Blueprint Genetics
Classification: Pathogenic for COL1A2-related disorders. Last evaluated: 2021-03-12. Review status: criteria provided, single submitter. Criteria: ACMG Guidelines, 2015. Collection method: clinical testing. Allele origin: germline. Affected: yes. Observed: 2 variant alleles.

Revvity Omics, Revvity
Classification: Pathogenic. Last evaluated: 2020-05-29. Review status: criteria provided, single submitter. Criteria: ACMG Guidelines, 2015. Collection method: clinical testing. Allele origin: germline.

3billion
Classification: Pathogenic for Osteogenesis imperfecta, perinatal lethal. Review status: criteria provided, single submitter. Criteria: ACMG Guidelines, 2015. Collection method: clinical testing. Allele origin: unknown. Affected: yes. Observed: 1 heterozygote.
Comment: The variant is not observed in the gnomAD v2.1.1 dataset. Missense changes are a common disease-causing mechanism. In silico tool predictions suggest damaging effect of the variant on gene or gene product (REVEL: 0.98; 3Cnet: 1.00). Same nucleotide change resulting in same amino acid change has been previously reported as pathogenic/likely pathogenic with strong evidence (ClinVar ID: VCV000526895 / PMID: 8829649 / 3billion dataset). Therefore, this variant is classified as Pathogenic according to the recommendation of ACMG/AMP guideline.

Literature cited by the submitters: PubMed 27509835 (cited by Clinical Biomedical Laboratory, Shriners Hospital For Children - Canada); PubMed 8829649 (cited by Labcorp Genetics (formerly Invitae), Labcorp and 3billion); PubMed 22206639 (cited by Labcorp Genetics (formerly Invitae), Labcorp); PubMed 22589248 (cited by Labcorp Genetics (formerly Invitae), Labcorp); PubMed 26627451 (cited by Labcorp Genetics (formerly Invitae), Labcorp); PubMed 27519266 (cited by Labcorp Genetics (formerly Invitae), Labcorp); PubMed 7695699 (cited by Labcorp Genetics (formerly Invitae), Labcorp); PubMed 8218237 (cited by Labcorp Genetics (formerly Invitae), Labcorp); PubMed 19344236 (cited by Labcorp Genetics (formerly Invitae), Labcorp); PubMed 9016532 (cited by Labcorp Genetics (formerly Invitae), Labcorp); PubMed 17078022 (cited by Labcorp Genetics (formerly Invitae), Labcorp).

NM_000089.4(COL1A2):c.1378G>A (p.Gly460Ser)

Gene: COL1A2 (collagen type I alpha 2 chain; plus strand). Cytogenetic location: 7q21.3.
Variant type: single nucleotide variant.
Coding change: c.1378G>A on transcript NM_000089.4 (MANE Select); coding-DNA position 1378, G replaced by A.
Protein change: p.Gly460Ser; replaces glycine 460 with serine.
Molecular consequence: missense variant.
Genome position (GRCh38, 1-based): chr7:94,412,095, G>A. VCF-style: chr7-94412095-G-A. GRCh37 (hg19) VCF-style: chr7-94041407-G-A.
Other names: short protein forms G460S.
Identifiers: ClinVar variation 526895 (VCV000526895.20), dbSNP rs72658118, ClinGen allele CA162924592.